The following is an entry in ClinVar:

NM_004006.3(DMD):c.5984del (p.Tyr1995fs)

Gene: DMD (dystrophin; minus strand). Cytogenetic location: Xp21.1.
Variant type: Deletion.
Coding change: c.5984del on transcript NM_004006.3 (MANE Select); coding-DNA position 5984, one base deleted (A; older notation c.5984delA).
Protein change: p.Tyr1995fs; shifts the reading frame from tyrosine 1995.
Molecular consequence: frameshift variant.
Genome position (GRCh38, 1-based): chrX:32,310,215, T deleted on the plus strand (A on the coding strand, the reverse complement: DMD is on the minus strand). VCF-style (leftmost placement, unchanged base first): chrX-32310214-AT-A. GRCh37 (hg19) VCF-style: chrX-32328331-AT-A.
Other names: c.5984delA (NM_004006.2); c.5960del, p.Tyr1987fs (NM_000109.4); c.5972del, p.Tyr1991fs (NM_004009.3); c.5615del, p.Tyr1872fs (NM_004010.3); c.1961del, p.Tyr654fs (NM_004011.4); c.1952del, p.Tyr651fs (NM_004012.4); short protein forms Y1872fs, Y1995fs, Y654fs, Y1987fs, Y1991fs, Y651fs.
Identifiers: ClinVar variation 429274 (VCV000429274.2), dbSNP rs1131691292, ClinGen allele CA645369757.

ClinVar aggregate classification (germline): Pathogenic (1 of 4 stars; one submission).

Submission:

GeneDx
Classification: Pathogenic. Last evaluated: 2017-04-24. Review status: criteria provided, single submitter. Criteria: GeneDx Variant Classification (06012015). Collection method: clinical testing. Allele origin: germline. Affected: yes.
Comment: The c.5984delA pathogenic variant in the DMD gene causes a frameshift starting with codon Tyrosine 1995, changes this amino acid to a Leucine residue and creates a premature Stop codon at position 7 of the new reading frame, denoted p.Tyr1995LeufsX7. This pathogenic variant is predicted to cause loss of normal protein function either through protein truncation or nonsense-mediated mRNA decay. Furthermore, the c.5984delA variant is not observed in large population cohorts (Lek et al., 2016; 1000 Genomes Consortium et al., 2015; Exome Variant Server).